The following is an entry in ClinVar:

ClinVar aggregate classification (germline): Uncertain significance. Review status: criteria provided, multiple submitters, no conflicts (2 of 4 stars). 2 submissions from 2 submitters: Uncertain significance (2). Last evaluated 2023-06-24.

Conditions:
Primary immunodeficiency with post-measles-mumps-rubella vaccine viral infection. Also called: Immunodeficiency 44. Identifiers: Orphanet 431166, MedGen C4225260, MONDO:0014715, OMIM 616636.
Inborn genetic diseases. Identifiers: MedGen C0950123, MeSH D030342.

Allele frequency attached by ClinVar (database versions not stated): gnomAD exomes 0.00003 and 0.00004; ExAC 0.00004; gnomAD 0.00006; TOPMed 0.00006.
gnomAD v4.1: 71 of 1,613,936 alleles (0.0044%); highest among the groups gnomAD compares: Non-Finnish European, 0.0058%; no homozygotes.

Submissions (2):

Labcorp Genetics (formerly Invitae), Labcorp
Classification: Uncertain significance for Primary immunodeficiency with post-measles-mumps-rubella vaccine viral infection. Last evaluated: 2023-06-24. Review status: criteria provided, single submitter. Criteria: Invitae Variant Classification Sherloc (09022015). Collection method: clinical testing. Allele origin: germline.
Comment: In summary, the available evidence is currently insufficient to determine the role of this variant in disease. Therefore, it has been classified as a Variant of Uncertain Significance. Advanced modeling of protein sequence and biophysical properties (such as structural, functional, and spatial information, amino acid conservation, physicochemical variation, residue mobility, and thermodynamic stability) performed at Invitae indicates that this missense variant is expected to disrupt STAT2 protein function. ClinVar contains an entry for this variant (Variation ID: 652735). This variant has not been reported in the literature in individuals affected with STAT2-related conditions. This variant is present in population databases (rs771226498, gnomAD 0.008%). This sequence change replaces isoleucine, which is neutral and non-polar, with threonine, which is neutral and polar, at codon 363 of the STAT2 protein (p.Ile363Thr).

Ambry Genetics
Classification: Uncertain significance for Inborn genetic diseases. Last evaluated: 2023-03-01. Review status: criteria provided, single submitter. Criteria: Ambry Variant Classification Scheme 2023. Collection method: clinical testing. Allele origin: germline.

NM_005419.4(STAT2):c.1088T>C (p.Ile363Thr)

Gene: STAT2 (signal transducer and activator of transcription 2; minus strand). Cytogenetic location: 12q13.3.
Variant type: single nucleotide variant.
Coding change: c.1088T>C on transcript NM_005419.4 (MANE Select); coding-DNA position 1088, T replaced by C.
Protein change: p.Ile363Thr; replaces isoleucine 363 with threonine.
Molecular consequence: missense variant.
Genome position (GRCh38, 1-based): chr12:56,350,835, A>G on the plus strand (T>C on the coding strand, the complement: STAT2 is on the minus strand). VCF-style: chr12-56350835-A-G. GRCh37 (hg19) VCF-style: chr12-56744619-A-G.
Other names: c.1088T>C, p.Ile363Thr (LRG_1329t1); c.1076T>C, p.Ile359Thr (NM_198332.2); short protein forms I363T, I359T.
Identifiers: ClinVar variation 652735 (VCV000652735.10), dbSNP rs771226498, ClinGen allele CA6630663.